The following is an entry in ClinVar:

ClinVar aggregate classification (germline): Pathogenic (1 of 4 stars; one submission).

Conditions:
Alstrom syndrome (ALMS). Identifiers: Orphanet 64, MedGen C0268425, MONDO:0008763, OMIM 203800.

Submission:

Labcorp Genetics (formerly Invitae), Labcorp
Classification: Pathogenic for Alstrom syndrome. Last evaluated: 2025-03-25. Review status: criteria provided, single submitter. Criteria: Invitae Variant Classification Sherloc (09022015). Collection method: clinical testing. Allele origin: germline.
Comment: This sequence change creates a premature translational stop signal (p.Tyr1290*) in the ALMS1 gene. It is expected to result in an absent or disrupted protein product. Loss-of-function variants in ALMS1 are known to be pathogenic (PMID: 17594715). This variant is not present in population databases (gnomAD no frequency). This variant has not been reported in the literature in individuals affected with ALMS1-related conditions. ClinVar contains an entry for this variant (Variation ID: 648250). For these reasons, this variant has been classified as Pathogenic.

Literature cited by the submitters: PubMed 17594715.

NM_001378454.1(ALMS1):c.3867T>G (p.Tyr1289Ter)

Gene: ALMS1 (ALMS1 centrosome and basal body associated protein; plus strand). Cytogenetic location: 2p13.1.
Variant type: single nucleotide variant.
Coding change: c.3867T>G on transcript NM_001378454.1 (MANE Select); coding-DNA position 3867, T replaced by G.
Protein change: p.Tyr1289Ter; replaces tyrosine 1289 with a stop codon.
Molecular consequence: nonsense.
Genome position (GRCh38, 1-based): chr2:73,450,394, T>G. VCF-style: chr2-73450394-T-G. GRCh37 (hg19) VCF-style: chr2-73677521-T-G.
Other names: c.3870T>G, p.Tyr1290Ter (NM_015120.4); short protein forms Y1290*, Y1289*.
Identifiers: ClinVar variation 648250 (VCV000648250.6), dbSNP rs369314182, ClinGen allele CA347276959.